The following is an entry in ClinVar:

NM_018941.4(CLN8):c.792C>G (p.Asn264Lys)

Gene: CLN8 (CLN8 transmembrane ER and ERGIC protein; plus strand). Cytogenetic location: 8p23.3.
Variant type: single nucleotide variant.
Coding change: c.792C>G on transcript NM_018941.4 (MANE Select); coding-DNA position 792, C replaced by G.
Protein change: p.Asn264Lys; replaces asparagine 264 with lysine.
Molecular consequence: missense variant.
Genome position (GRCh38, 1-based): chr8:1,780,498, C>G. VCF-style: chr8-1780498-C-G. GRCh37 (hg19) VCF-style: chr8-1728664-C-G.
Other names: short protein forms N264K.
Identifiers: ClinVar variation 100736 (VCV000100736.16), dbSNP rs587779411, ClinGen allele CA267596.

ClinVar aggregate classification (germline): Conflicting classifications of pathogenicity. Review status: criteria provided, conflicting classifications (1 of 4 stars). 8 submissions from 8 submitters: Pathogenic (1); Likely pathogenic (4); Uncertain significance (2). 1 of the submissions does not count toward it. Last evaluated 2025-01-15.

Conditions:
Neuronal ceroid lipofuscinosis 8 northern epilepsy variant. Also called: EPILEPSY, PROGRESSIVE, WITH MENTAL RETARDATION; NORTHERN EPILEPSY. Identifiers: Orphanet 1947, MedGen C1864923, MONDO:0012391, OMIM 610003.
Neuronal ceroid lipofuscinosis 8 (CLN8). Also called: CLN8-Related Neuronal Ceroid-Lipofuscinosis. Identifiers: Orphanet 168491, Orphanet 228354, Orphanet 79264, MedGen C1838570, MONDO:0010830, OMIM 600143.
CLN8-related disorder. Also called: CLN8-related condition.
Neuronal ceroid lipofuscinosis. Also called: Neuronal Ceroid Lipofuscinoses. Identifiers: Orphanet 216, Orphanet 79263, MedGen C0027877, MONDO:0016295. Disease mechanism: loss of function.

Allele frequency attached by ClinVar (database versions not stated): ExAC 0.00001; gnomAD 0.00001.
gnomAD v4.1: 5 of 1,614,120 alleles (0.00031%); highest among the groups gnomAD compares: Non-Finnish European, 0.00034%; no homozygotes.

Submissions (8):

Myriad Genetics, Inc.
Classification: Likely pathogenic for Neuronal ceroid lipofuscinosis. Last evaluated: 2025-01-15. Review status: criteria provided, single submitter. Criteria: Myriad Autosomal Dominant, Autosomal Recessive and X-Linked Classification Criteria (2023). Collection method: clinical testing. Allele origin: unknown.
Comment: NM_018941.3(CLN8):c.792C>G(N264K) is a missense variant classified as likely pathogenic in the context of CLN8-related neuronal ceroid lipofuscinosis. N264K has been observed in cases with relevant disease (PMID: 24767253, 30741402, 38857616). Relevant functional assessments of this variant are not available in the literature. N264K has been observed in referenced population frequency databases. In summary, NM_018941.3(CLN8):c.792C>G(N264K) is a missense variant that has been observed more frequently in cases with the relevant disease than in healthy populations. Please note: this variant was assessed in the context of healthy population screening.

Fulgent Genetics
Classification: Likely pathogenic for Neuronal ceroid lipofuscinosis 8; Neuronal ceroid lipofuscinosis 8 northern epilepsy variant. Last evaluated: 2024-06-17. Review status: criteria provided, single submitter. Criteria: ACMG Guidelines, 2015. Collection method: clinical testing. Allele origin: germline.

Labcorp Genetics (formerly Invitae), Labcorp
Classification: Uncertain significance for Neuronal ceroid lipofuscinosis. Last evaluated: 2022-09-01. Review status: criteria provided, single submitter. Criteria: Invitae Variant Classification Sherloc (09022015). Collection method: clinical testing. Allele origin: germline.
Comment: This sequence change replaces asparagine, which is neutral and polar, with lysine, which is basic and polar, at codon 264 of the CLN8 protein (p.Asn264Lys). This variant is present in population databases (rs587779411, gnomAD 0.007%). This missense change has been observed in individual(s) with CLN8-related conditions (PMID: 24767253, 30741402). In at least one individual the data is consistent with being in trans (on the opposite chromosome) from a pathogenic variant. ClinVar contains an entry for this variant (Variation ID: 100736). Algorithms developed to predict the effect of missense changes on protein structure and function (SIFT, PolyPhen-2, Align-GVGD) all suggest that this variant is likely to be disruptive. In summary, the available evidence is currently insufficient to determine the role of this variant in disease. Therefore, it has been classified as a Variant of Uncertain Significance.

3billion
Classification: Uncertain significance for Neuronal ceroid lipofuscinosis 8. Last evaluated: 2022-05-22. Review status: criteria provided, single submitter. Criteria: ACMG Guidelines, 2015. Collection method: clinical testing. Allele origin: germline. Affected: yes. Observed: 1 homozygote.
Comment: The variant is observed at an extremely low frequency in the gnomAD v2.1.1 dataset (total allele frequency: 0.003%). In silico tool predictions suggest damaging effect of the variant on gene or gene product (REVEL: 0.91; 3Cnet: 0.74). Same nucleotide change resulting in same amino acid change has been previously reported to be associated with CLN8 related disorder (ClinVar ID: VCV000100736 / PMID: 24767253, 30741402). However, the evidence of pathogenicity is insufficient at this time. Therefore, this variant is classified as uncertain significanceaccording to the recommendation of ACMG/AMP guideline.

Blueprint Genetics
Classification: Likely pathogenic for CLN8-related disorders. Last evaluated: 2021-10-01. Review status: criteria provided, single submitter. Criteria: ACMG Guidelines, 2015. Collection method: clinical testing. Allele origin: germline. Affected: yes. Observed: 2 variant alleles.

Mendelics
Classification: Likely pathogenic for Neuronal ceroid lipofuscinosis 1. Last evaluated: 2019-05-28. Review status: criteria provided, single submitter. Criteria: Mendelics Assertion Criteria 2017. Collection method: clinical testing. Allele origin: unknown.

Translational Research Program on Neuronal Ceroid Lipofuscinosis, Center for the Study of Inborn Errors of Metabolism
Classification: Pathogenic for Neuronal ceroid lipofuscinosis 8. Review status: criteria provided, single submitter. Criteria: Submitter's publication. Collection method: research. Allele origin: unknown. Inheritance: Autosomal recessive inheritance. Affected: yes. Observed: 1 variant allele, 1 compound heterozygote.
Comment: This mutation was detected in heterozygous state, combined with a c.1A>G mutation.

Unidad de Diagnostico y Tratamiento de Errores Congenitos del Metabolismo. Hospital Clínico Universitário de Santiago de Compostela
Classification: Pathogenic for Ceroid lipofuscinosis neuronal 8. Review status: no assertion criteria provided. Collection method: research. Allele origin: inherited. Affected: yes. Not counted in ClinVar's aggregate classification.

Literature cited by the submitters: PubMed 24767253 (cited by 3 submitters); PubMed 30741402 (cited by Myriad Genetics, Inc. and Labcorp Genetics (formerly Invitae), Labcorp); PubMed 38857616 (cited by Myriad Genetics, Inc.).